The following is an entry in ClinVar:

ClinVar aggregate classification (germline): Conflicting classifications of pathogenicity. Review status: criteria provided, conflicting classifications (1 of 4 stars). 4 submissions from 4 submitters: Uncertain significance (1); Benign (2); Likely benign (1). Last evaluated 2026-01-26.

Conditions:
Leigh syndrome (NULS). Also called: Leigh Disease; Subacute necrotizing encephalopathy; Necrotizing encephalopathy infantile subacute of Leigh; Leigh Syndrome (mtDNA deletion); Leigh's syndrome; LEIGH SYNDROME, NUCLEAR. Identifiers: Orphanet 506, MedGen C2931891, MONDO:0009723, OMIM 256000.

Allele frequency attached by ClinVar (database versions not stated): gnomAD below 0.00001 and 0.00031; TOPMed 0.00007; gnomAD exomes 0.00099; 1000 Genomes Project 30x 0.00141; 1000 Genomes Project 0.00160.
gnomAD v4.1: 1,432 of 1,581,106 alleles (0.091%); highest among the groups gnomAD compares: South Asian, 1.5%; 27 homozygotes.

Submissions (4):

Labcorp Genetics (formerly Invitae), Labcorp
Classification: Benign. Last evaluated: 2026-01-26. Review status: criteria provided, single submitter. Criteria: Invitae Variant Classification Sherloc (09022015). Collection method: clinical testing. Allele origin: germline.

Illumina Laboratory Services, Illumina
Classification: Uncertain significance for Leigh syndrome. Last evaluated: 2018-01-12. Review status: criteria provided, single submitter. Criteria: ICSL Variant Classification Criteria 13 December 2019. Collection method: clinical testing. Allele origin: germline.

Center for Pediatric Genomic Medicine, Children's Mercy Hospital and Clinics
Classification: Likely benign. Last evaluated: 2016-09-20. Review status: criteria provided, single submitter. Criteria: ACMG Guidelines, 2015. Collection method: clinical testing. Allele origin: germline.
ClinVar note: Converted during submission from Likely Benign to Likely benign.

GeneDx
Classification: Benign. Last evaluated: 2011-07-01. Review status: criteria provided, single submitter. Criteria: GeneDx Variant Classification (06012015). Collection method: clinical testing. Allele origin: germline. Affected: yes.
Comment: This variant is considered likely benign or benign based on one or more of the following criteria: it is a conservative change, it occurs at a poorly conserved position in the protein, it is predicted to be benign by multiple in silico algorithms, and/or has population frequency not consistent with disease.

NM_078470.6(COX15):c.988-8C>A

Gene: COX15 (cytochrome c oxidase assembly factor COX15; minus strand). Cytogenetic location: 10q24.2.
Variant type: single nucleotide variant.
Coding change: c.988-8C>A on transcript NM_078470.6 (MANE Select); 8 bases into the intron before coding-DNA position 988, C replaced by A.
Molecular consequence: intron variant. On other transcripts: missense variant (1).
Genome position (GRCh38, 1-based): chr10:99,716,469, G>T on the plus strand (C>A on the coding strand, the complement: COX15 is on the minus strand). VCF-style: chr10-99716469-G-T. GRCh37 (hg19) VCF-style: chr10-101476226-G-T.
Other names: c.998C>A, p.Ser333Tyr (NM_001372025.1); c.988-8C>A (NM_001320974.2, NM_001372027.1, NM_004376.7 and 1 more transcripts); c.451-8C>A (NM_001320976.2); c.961-8C>A (NM_001372026.1); c.833-8C>A (NM_001372028.1, NM_001320975.2); short protein forms S333Y.
Identifiers: ClinVar variation 137013 (VCV000137013.14), dbSNP rs542092025, ClinGen allele CA290484.